The following is an entry in ClinVar:

ClinVar aggregate classification (germline): Uncertain significance. Review status: criteria provided, multiple submitters, no conflicts (2 of 4 stars). 3 submissions from 3 submitters: Uncertain significance (3). Last evaluated 2026-04-22.

Conditions:
Ehlers-Danlos syndrome (EDS). Identifiers: Orphanet 98249, MedGen C0013720, MONDO:0020066.
Cardiovascular phenotype. Identifiers: MedGen CN230736.

Allele frequency attached by ClinVar (database versions not stated): gnomAD 0.00003; ExAC 0.00004; gnomAD exomes 0.00004 and 0.00005; TOPMed 0.00004.
gnomAD v4.1: 72 of 1,602,512 alleles (0.0045%); highest among the groups gnomAD compares: Admixed American, 0.01%; no homozygotes.

Submissions (3):

Women's Health and Genetics/Laboratory Corporation of America, LabCorp
Classification: Uncertain significance. Last evaluated: 2026-04-22. Review status: criteria provided, single submitter. Criteria: LabCorp Variant Classification Summary - May 2015. Collection method: clinical testing. Allele origin: germline.
Comment: Variant summary: TNXB c.9893A>G (p.Gln3298Arg) results in a conservative amino acid change in the encoded protein sequence. Algorithms developed to predict the effect of missense changes on protein structure and function all suggest that this variant is likely to be tolerated. The variant allele was found at a frequency of 3.7e-05 in 243980 control chromosomes. The available data on variant occurrences in the general population are insufficient to allow any conclusion about variant significance. To our knowledge, no occurrence of c.9893A>G in individuals affected with TNXB-related conditions and no experimental evidence demonstrating its impact on protein function have been reported. ClinVar contains an entry for this variant (Variation ID: 1702364). Based on the evidence outlined above, the variant was classified as uncertain significance.

Ambry Genetics
Classification: Uncertain significance for Cardiovascular phenotype. Last evaluated: 2025-05-16. Review status: criteria provided, single submitter. Criteria: Ambry Variant Classification Scheme 2023. Collection method: clinical testing. Allele origin: germline.

Genome Diagnostics Laboratory, The Hospital for Sick Children
Classification: Uncertain significance for Ehlers-Danlos syndrome. Last evaluated: 2022-06-30. Review status: criteria provided, single submitter. Criteria: ACMG Guidelines, 2015. Collection method: clinical testing. Allele origin: germline.

NM_001365276.2(TNXB):c.9899A>G (p.Gln3300Arg)

Gene: TNXB (tenascin XB; minus strand). Cytogenetic location: 6p21.33.
Variant type: single nucleotide variant.
Coding change: c.9899A>G on transcript NM_001365276.2 (MANE Select); coding-DNA position 9899, A replaced by G.
Protein change: p.Gln3300Arg; replaces glutamine 3300 with arginine.
Molecular consequence: missense variant.
Genome position (GRCh38, 1-based): chr6:32,048,509, T>C on the plus strand (A>G on the coding strand, the complement: TNXB is on the minus strand). VCF-style: chr6-32048509-T-C. GRCh37 (hg19) VCF-style: chr6-32016286-T-C.
Other names: c.9893A>G, p.Gln3298Arg (NM_019105.8); short protein forms Q3298R, Q3300R.
Identifiers: ClinVar variation 1702364 (VCV001702364.8), dbSNP rs776725505, ClinGen allele CA3733370.